The following is an entry in ClinVar:

NM_004369.4(COL6A3):c.8137A>G (p.Arg2713Gly)

Gene: COL6A3 (collagen type VI alpha 3 chain; minus strand). Cytogenetic location: 2q37.3.
Variant type: single nucleotide variant.
Coding change: c.8137A>G on transcript NM_004369.4 (MANE Select); coding-DNA position 8137, A replaced by G.
Protein change: p.Arg2713Gly; replaces arginine 2713 with glycine.
Molecular consequence: missense variant.
Genome position (GRCh38, 1-based): chr2:237,340,779, T>C on the plus strand (A>G on the coding strand, the complement: COL6A3 is on the minus strand). VCF-style: chr2-237340779-T-C. GRCh37 (hg19) VCF-style: chr2-238249422-T-C.
Other names: c.6316A>G, p.Arg2106Gly (NM_057166.5); c.7519A>G, p.Arg2507Gly (NM_057167.4); short protein forms R2713G, R2106G, R2507G.
Identifiers: ClinVar variation 335101 (VCV000335101.13), dbSNP rs772602377, ClinGen allele CA2187624.
Genomic context (GRCh38, chr2:237,340,779, plus strand): 5'-GGTTTGGGGCACTTTCAAAGACATTCTCTATGGTGTATTCAATGGCACTGCCTAAGGCCC[T>C]GGTTCCCTGCAACTGTGTCATTCCCCTGCTGAGGAAGTCCACCAGCTTCTCCTTGGAGCC-3'
Protein context (NP_004360.2, residues 2703-2723): SRGMTQLQGT[Arg2713Gly]ALGSAIEYTI

ClinVar aggregate classification (germline): Conflicting classifications of pathogenicity. Review status: criteria provided, conflicting classifications (1 of 4 stars). 3 submissions from 3 submitters: Uncertain significance (1); Likely benign (2). Last evaluated 2025-12-17.

Conditions:
Inborn genetic diseases. Identifiers: MedGen C0950123, MeSH D030342.
Collagen 6-related myopathy. Identifiers: MedGen CN117976, MONDO:0100225.
Bethlem myopathy 1A. Also called: Bethlem Muscular Dystrophy; MYOPATHY, BENIGN CONGENITAL, WITH CONTRACTURES; Bethlem myopathy 1. Identifiers: Orphanet 610, MedGen CN029274, MONDO:0024530, OMIM 158810.

Allele frequency attached by ClinVar (database versions not stated): TOPMed 0.00002; gnomAD 0.00003 and 0.00004; gnomAD exomes 0.00003 and 0.00008; ExAC 0.00007.
gnomAD v4.1: 51 of 1,614,070 alleles (0.0032%); highest among the groups gnomAD compares: South Asian, 0.033%; no homozygotes.

Submissions (3):

Labcorp Genetics (formerly Invitae), Labcorp
Classification: Likely benign for Bethlem myopathy 1A. Last evaluated: 2025-12-17. Review status: criteria provided, single submitter. Criteria: Invitae Variant Classification Sherloc (09022015). Collection method: clinical testing. Allele origin: germline.

Ambry Genetics
Classification: Uncertain significance for Inborn genetic diseases. Last evaluated: 2025-03-22. Review status: criteria provided, single submitter. Criteria: Ambry Variant Classification Scheme 2023. Collection method: clinical testing. Allele origin: germline.

Illumina Laboratory Services, Illumina
Classification: Likely benign for Collagen VI-related myopathy. Last evaluated: 2018-01-13. Review status: criteria provided, single submitter. Criteria: ICSL Variant Classification Criteria 13 December 2019. Collection method: clinical testing. Allele origin: germline.
Comment: This variant was observed in the ICSL laboratory as part of a predisposition screen in an ostensibly healthy population. It had not been previously curated by ICSL or reported in the Human Gene Mutation Database (HGMD: prior to June 1st, 2018), and was therefore a candidate for classification through an automated scoring system. Utilizing variant allele frequency, disease prevalence and penetrance estimates, and inheritance mode, an automated score was calculated to assess if this variant is too frequent to cause the disease. Based on the score and internal cut-off values, a variant classified as likely benign is not then subjected to further curation. The score for this variant resulted in a classification of likely benign for this disease.